The following is an entry in ClinVar:

ClinVar aggregate classification (germline): Uncertain significance (1 of 4 stars; one submission).

gnomAD v4.1: 6 of 1,613,228 alleles (0.00037%); highest among the groups gnomAD compares: Non-Finnish European, 0.00051%; no homozygotes.

Submission:

GeneDx
Classification: Uncertain significance. Last evaluated: 2024-01-26. Review status: criteria provided, single submitter. Criteria: GeneDx Variant Classification Process June 2021. Collection method: clinical testing. Allele origin: germline. Affected: yes.
Comment: Not observed at significant frequency in large population cohorts (gnomAD); In silico analysis supports that this variant does not alter splicing; Has not been previously published as pathogenic or benign to our knowledge

NM_000264.5(PTCH1):c.2887+6T>G

Gene: PTCH1 (patched 1; minus strand). Cytogenetic location: 9q22.32.
Variant type: single nucleotide variant.
Coding change: c.2887+6T>G on transcript NM_000264.5 (MANE Select); 6 bases into the intron after coding-DNA position 2887, T replaced by G.
Molecular consequence: intron variant.
Genome position (GRCh38, 1-based): chr9:95,459,594, A>C on the plus strand (T>G on the coding strand, the complement: PTCH1 is on the minus strand). VCF-style: chr9-95459594-A-C. GRCh37 (hg19) VCF-style: chr9-98221876-A-C.
Other names: c.2884+6T>G (NM_001083603.3); c.2689+6T>G (NM_001083602.3); c.2731+6T>G (NM_001354918.2); c.2434+6T>G (NM_001083605.3, NM_001083604.3, NM_001083606.3 and 1 more transcripts).
Identifiers: ClinVar variation 3368448 (VCV003368448.1).